The following is an entry in ClinVar:

NM_016277.5(RAB23):c.252T>G (p.Ala84=)

Gene: RAB23 (RAB23, member RAS oncogene family; minus strand). Cytogenetic location: 6p12.1.
Variant type: single nucleotide variant.
Coding change: c.252T>G on transcript NM_016277.5 (MANE Select); coding-DNA position 252, T replaced by G.
Protein change: p.Ala84=; no amino-acid change (alanine 84 retained).
Molecular consequence: synonymous variant.
Genome position (GRCh38, 1-based): chr6:57,196,596, A>C on the plus strand (T>G on the coding strand, the complement: RAB23 is on the minus strand). VCF-style: chr6-57196596-A-C. GRCh37 (hg19) VCF-style: chr6-57061394-A-C.
Other names: c.252T>G, p.Ala84= (NM_001278666.2, NM_001278667.2, NM_001278668.2 and 1 more transcripts).
Identifiers: ClinVar variation 3057917 (VCV003057917.2), dbSNP rs1346414063, ClinGen allele CA450631113.

ClinVar aggregate classification (germline): Likely benign (0 of 4 stars; one submission).

Conditions:
RAB23-related disorder. Also called: RAB23-related condition.

Allele frequency attached by ClinVar (database versions not stated): gnomAD exomes below 0.00001.
gnomAD v4.1: 1 of 1,613,842 alleles (0.000062%); highest among the groups gnomAD compares: Admixed American, 0.0017%; no homozygotes.

Submission:

PreventionGenetics, part of Exact Sciences
Classification: Likely benign for RAB23-related condition. Last evaluated: 2023-01-24. Review status: no assertion criteria provided. Collection method: clinical testing. Allele origin: germline.
Comment: This variant is classified as likely benign based on ACMG/AMP sequence variant interpretation guidelines (Richards et al. 2015 PMID: 25741868, with internal and published modifications).